The following is an entry in ClinVar:

ClinVar aggregate classification (germline): Uncertain significance (1 of 4 stars; one submission).

Allele frequency attached by ClinVar (database versions not stated): TOPMed below 0.00001; gnomAD 0.00001.
gnomAD v4.1: 6 of 1,206,137 alleles (0.0005%); highest among the groups gnomAD compares: East Asian, 0.0059%; no homozygotes.

Submissions (2):

Women's Health and Genetics/Laboratory Corporation of America, LabCorp
Classification: Uncertain significance. Last evaluated: 2023-10-10. Review status: criteria provided, single submitter. Criteria: LabCorp Variant Classification Summary - May 2015. Collection method: clinical testing. Allele origin: germline.
Comment: Variant summary: HCFC1 c.5379+8G>A alters a non-conserved nucleotide located close to a canonical splice site and therefore could affect mRNA splicing, leading to a significantly altered protein sequence. Several computational tools predict a significant impact on normal splicing: Four predict the variant strengthens a cryptic 5' splicing donor site 9 bp downstream of the canonical site. However, these predictions have yet to be confirmed by functional studies. The variant allele was found at a frequency of 5.5e-06 in 181075 control chromosomes (gnomAD). The available data on variant occurrences in the general population are insufficient to allow any conclusion about variant significance. To our knowledge, no occurrence of c.5379+8G>A in individuals affected with Methylmalonic Acidemia With Homocystinuria and no experimental evidence demonstrating its impact on protein function have been reported. No submitters have cited clinical-significance assessments for this variant to ClinVar after 2014. Based on the evidence outlined above, the variant was classified as uncertain significance.

Dr. Peter K. Rogan Lab, Western University
No classification provided (evidence only). Condition: Gastric cancer. Review status: no classification provided. Collection method: in vitro. Allele origin: not applicable. Functional consequence: retained intron. Not counted in ClinVar's aggregate classification.

NM_005334.3(HCFC1):c.5379+8G>A

Gene: HCFC1 (host cell factor C1; minus strand). Cytogenetic location: Xq28.
Variant type: single nucleotide variant.
Coding change: c.5379+8G>A on transcript NM_005334.3 (MANE Select); 8 bases into the intron after coding-DNA position 5379, G replaced by A.
Molecular consequence: intron variant.
Genome position (GRCh38, 1-based): chrX:153,951,581, C>T on the plus strand (G>A on the coding strand, the complement: HCFC1 is on the minus strand). VCF-style: chrX-153951581-C-T. GRCh37 (hg19) VCF-style: chrX-153217032-C-T.
Other names: NC_000023.10:g.153217032C>T; c.5514+8G>A (NM_001410705.1).
Identifiers: ClinVar variation 2637658 (VCV002637658.2), dbSNP rs1557112482, ClinGen allele CA645289583.